The following is an entry in ClinVar:

NM_001127222.2(CACNA1A):c.1059C>G (p.Asn353Lys)

Genes: CACNA1A (calcium voltage-gated channel subunit alpha1 A; minus strand), LOC126862866 (MED14-independent group 3 enhancer GRCh37_chr19:13445719-13446918; plus strand). Cytogenetic location: 19p13.13.
Variant type: single nucleotide variant.
Coding change: c.1059C>G on transcript NM_001127222.2 (MANE Select); coding-DNA position 1059, C replaced by G.
Protein change: p.Asn353Lys; replaces asparagine 353 with lysine.
Molecular consequence: missense variant.
Genome position (GRCh38, 1-based): chr19:13,335,829, G>C on the plus strand (C>G on the coding strand, the complement: CACNA1A is on the minus strand). VCF-style: chr19-13335829-G-C. GRCh37 (hg19) VCF-style: chr19-13446643-G-C.
Other names: c.1059C>G (NM_001127221.1); c.1059C>G, p.Asn353Lys (NM_000068.4, NM_001127221.2, NM_001174080.2 and 1 more transcripts); short protein forms N353K.
Identifiers: ClinVar variation 803533 (VCV000803533.5), dbSNP rs1568546593, ClinGen allele CA404346704.

ClinVar aggregate classification (germline): Conflicting classifications of pathogenicity. Review status: criteria provided, conflicting classifications (1 of 4 stars). 3 submissions from 3 submitters: Likely pathogenic (1); Uncertain significance (2). Last evaluated 2025-11-10.

Conditions:
Episodic ataxia type 2 (EA2). Also called: EPISODIC ATAXIA, NYSTAGMUS-ASSOCIATED; ATAXIA, EPISODIC, WITH NYSTAGMUS; ATAXIA, FAMILIAL PAROXYSMAL; CEREBELLAR ATAXIA, PAROXYSMAL, ACETAZOLAMIDE-RESPONSIVE; CEREBELLOPATHY, HEREDITARY PAROXYSMAL; ACETAZOLAMIDE-RESPONSIVE HEREDITARY PAROXYSMAL CEREBELLAR ATAXIA. Identifiers: Orphanet 97, MedGen C1720416, MONDO:0007163, OMIM 108500.
Developmental and epileptic encephalopathy, 42 (DEE42A). Also called: Epileptic encephalopathy, early infantile, 42; DEVELOPMENTAL AND EPILEPTIC ENCEPHALOPATHY 42A; EPILEPTIC ENCEPHALOPATHY, EARLY INFANTILE, 42A. Identifiers: MedGen C4310716, MONDO:0014917, OMIM 617106.

Submissions (3):

GeneDx
Classification: Uncertain significance. Last evaluated: 2025-11-10. Review status: criteria provided, single submitter. Criteria: GeneDx Variant Classification Process June 2021. Collection method: clinical testing. Allele origin: germline. Affected: yes.
Comment: Not observed at significant frequency in large population cohorts (gnomAD); In silico analysis supports that this missense variant has a deleterious effect on protein structure/function; Has not been previously published as pathogenic or benign to our knowledge

Labcorp Genetics (formerly Invitae), Labcorp
Classification: Uncertain significance for Developmental and epileptic encephalopathy, 42; Episodic ataxia type 2. Last evaluated: 2024-05-06. Review status: criteria provided, single submitter. Criteria: Invitae Variant Classification Sherloc (09022015). Collection method: clinical testing. Allele origin: germline.
Comment: This sequence change replaces asparagine, which is neutral and polar, with lysine, which is basic and polar, at codon 353 of the CACNA1A protein (p.Asn353Lys). This variant is not present in population databases (gnomAD no frequency). This variant has not been reported in the literature in individuals affected with CACNA1A-related conditions. ClinVar contains an entry for this variant (Variation ID: 803533). Advanced modeling of protein sequence and biophysical properties (such as structural, functional, and spatial information, amino acid conservation, physicochemical variation, residue mobility, and thermodynamic stability) performed at Invitae indicates that this missense variant is expected to disrupt CACNA1A protein function with a positive predictive value of 95%. In summary, the available evidence is currently insufficient to determine the role of this variant in disease. Therefore, it has been classified as a Variant of Uncertain Significance.

Mendelics
Classification: Likely pathogenic for Episodic ataxia type 2. Last evaluated: 2019-05-28. Review status: criteria provided, single submitter. Criteria: Mendelics Assertion Criteria 2017. Collection method: clinical testing. Allele origin: unknown.